The following is an entry in ClinVar:

NM_001943.5(DSG2):c.677C>G (p.Thr226Ser)

Gene: DSG2 (desmoglein 2; plus strand). Cytogenetic location: 18q12.1.
Variant type: single nucleotide variant.
Coding change: c.677C>G on transcript NM_001943.5 (MANE Select); coding-DNA position 677, C replaced by G.
Protein change: p.Thr226Ser; replaces threonine 226 with serine.
Molecular consequence: missense variant.
Genome position (GRCh38, 1-based): chr18:31,522,236, C>G. VCF-style: chr18-31522236-C-G. GRCh37 (hg19) VCF-style: chr18-29102199-C-G.
Other names: short protein forms T226S.
Identifiers: ClinVar variation 2096844 (VCV002096844.6), dbSNP rs751490881, ClinGen allele CA402134093.

ClinVar aggregate classification (germline): Uncertain significance. Review status: criteria provided, multiple submitters, no conflicts (2 of 4 stars). 2 submissions from 2 submitters: Uncertain significance (2). Last evaluated 2022-06-22.

Conditions:
Arrhythmogenic right ventricular dysplasia 10. Also called: ARRHYTHMOGENIC RIGHT VENTRICULAR DYSPLASIA, FAMILIAL, 10; Arrhythmogenic Right Ventricular Dysplasia/Cardiomyopathy10; Arrhythmogenic right ventricular dysplasia/cardiomyopathy, type 10. Identifiers: MedGen C1857777, MONDO:0012434, OMIM 610193.
Cardiomyopathy (CMYO). Also called: Cardiomyopathies. Identifiers: Orphanet 167848, MedGen C0878544, MONDO:0004994, HP:0001638. Inheritance: Various modes of inheritance.

gnomAD v4.1: 3 of 1,613,480 alleles (0.00019%); highest among the groups gnomAD compares: South Asian, 0.0033%; no homozygotes.

Submissions (2):

Labcorp Genetics (formerly Invitae), Labcorp
Classification: Uncertain significance for Arrhythmogenic right ventricular dysplasia 10. Last evaluated: 2022-06-22. Review status: criteria provided, single submitter. Criteria: Invitae Variant Classification Sherloc (09022015). Collection method: clinical testing. Allele origin: germline.
Comment: This variant has not been reported in the literature in individuals affected with DSG2-related conditions. In summary, the available evidence is currently insufficient to determine the role of this variant in disease. Therefore, it has been classified as a Variant of Uncertain Significance. Algorithms developed to predict the effect of missense changes on protein structure and function output the following: SIFT: "Tolerated"; PolyPhen-2: "Benign"; Align-GVGD: "Class C0". The serine amino acid residue is found in multiple mammalian species, which suggests that this missense change does not adversely affect protein function. This variant is not present in population databases (gnomAD no frequency). This sequence change replaces threonine, which is neutral and polar, with serine, which is neutral and polar, at codon 226 of the DSG2 protein (p.Thr226Ser).

CHEO Genetics Diagnostic Laboratory, Children's Hospital of Eastern Ontario
Classification: Uncertain significance for Cardiomyopathy. Last evaluated: 2021-07-23. Review status: criteria provided, single submitter. Criteria: ACMG Guidelines, 2015. Collection method: clinical testing. Allele origin: germline.